The following is an entry in ClinVar:

ClinVar aggregate classification (germline): Uncertain significance. Review status: criteria provided, multiple submitters, no conflicts (2 of 4 stars). 2 submissions from 2 submitters: Uncertain significance (2). Last evaluated 2024-09-09.

Conditions:
Dystonia 12 (DYT12). Also called: DYT-ATP1A3; Rapid-Onset Dystonia-Parkinsonism (RDP). Identifiers: Orphanet 71517, MedGen C1868681, MONDO:0007496, OMIM 128235.

Submissions (2):

Labcorp Genetics (formerly Invitae), Labcorp
Classification: Uncertain significance for Dystonia 12. Last evaluated: 2024-09-09. Review status: criteria provided, single submitter. Criteria: Invitae Variant Classification Sherloc (09022015). Collection method: clinical testing. Allele origin: germline.
Comment: This sequence change replaces leucine, which is neutral and non-polar, with arginine, which is basic and polar, at codon 770 of the ATP1A3 protein (p.Leu770Arg). This variant is not present in population databases (gnomAD no frequency). This missense change has been observed in individual(s) with alternating hemiplegia of childhood (PMID: 24842602). ClinVar contains an entry for this variant (Variation ID: 2138302). Invitae Evidence Modeling of protein sequence and biophysical properties (such as structural, functional, and spatial information, amino acid conservation, physicochemical variation, residue mobility, and thermodynamic stability) indicates that this missense variant is expected to disrupt ATP1A3 protein function with a positive predictive value of 95%. In summary, the available evidence is currently insufficient to determine the role of this variant in disease. Therefore, it has been classified as a Variant of Uncertain Significance.

Blueprint Genetics
Classification: Uncertain significance. Last evaluated: 2022-11-15. Review status: criteria provided, single submitter. Criteria: ACMG Guidelines, 2015. Collection method: clinical testing. Allele origin: germline.

Literature cited by the submitters: PubMed 24842602 (cited by Labcorp Genetics (formerly Invitae), Labcorp).

NM_152296.5(ATP1A3):c.2309T>G (p.Leu770Arg)

Gene: ATP1A3 (ATPase Na+/K+ transporting subunit alpha 3; minus strand). Cytogenetic location: 19q13.2.
Variant type: single nucleotide variant.
Coding change: c.2309T>G on transcript NM_152296.5 (MANE Select); coding-DNA position 2309, T replaced by G.
Protein change: p.Leu770Arg; replaces leucine 770 with arginine.
Molecular consequence: missense variant.
Genome position (GRCh38, 1-based): chr19:41,970,497, A>C on the plus strand (T>G on the coding strand, the complement: ATP1A3 is on the minus strand). VCF-style: chr19-41970497-A-C. GRCh37 (hg19) VCF-style: chr19-42474649-A-C.
Other names: c.2342T>G, p.Leu781Arg (NM_001256213.2); c.2348T>G, p.Leu783Arg (NM_001256214.2); short protein forms L781R, L783R, L770R.
Identifiers: ClinVar variation 2138302 (VCV002138302.5), dbSNP rs536713502, ClinGen allele CA308586643.